The following is an entry in ClinVar:

ClinVar aggregate classification (germline): Benign/Likely benign. Review status: criteria provided, multiple submitters, no conflicts (2 of 4 stars). 4 submissions from 4 submitters: Benign (3); Likely benign (1). Last evaluated 2026-01-28.

Conditions:
Fanconi anemia complementation group P. Also called: SLX4-Related Fanconi Anemia. Identifiers: Orphanet 84, MedGen C3469542, MONDO:0013499, OMIM 613951.
Fanconi anemia (FA). Also called: Fanconi's anemia. Identifiers: Orphanet 84, MedGen C0015625, MeSH D005199, MONDO:0019391.

Allele frequency attached by ClinVar (database versions not stated): gnomAD 0.00001 and 0.00042; TOPMed 0.00008; gnomAD exomes 0.00061 and 0.00126; ExAC 0.00144; 1000 Genomes Project 30x 0.00297; 1000 Genomes Project 0.00339.
gnomAD v4.1: 968 of 1,614,242 alleles (0.06%); highest among the groups gnomAD compares: South Asian, 0.99%; 12 homozygotes.

Submissions (4):

Labcorp Genetics (formerly Invitae), Labcorp
Classification: Benign for Fanconi anemia. Last evaluated: 2026-01-28. Review status: criteria provided, single submitter. Criteria: Invitae Variant Classification Sherloc (09022015). Collection method: clinical testing. Allele origin: germline.

KCCC/NGS Laboratory, Kuwait Cancer Control Center
Classification: Benign for Fanconi anemia complementation group P. Last evaluated: 2023-07-07. Review status: criteria provided, single submitter. Criteria: ACMG Guidelines, 2015. Collection method: clinical testing. Allele origin: germline. Affected: yes.

Genetic Services Laboratory, University of Chicago
Classification: Benign. Last evaluated: 2021-08-24. Review status: criteria provided, single submitter. Criteria: ACMG Guidelines, 2015. Collection method: clinical testing. Allele origin: germline. Affected: no.

Illumina Laboratory Services, Illumina
Classification: Likely benign for Fanconi anemia complementation group P. Last evaluated: 2018-01-12. Review status: criteria provided, single submitter. Criteria: ICSL Variant Classification Criteria 13 December 2019. Collection method: clinical testing. Allele origin: germline.
Comment: This variant was observed in the ICSL laboratory as part of a predisposition screen in an ostensibly healthy population. It had not been previously curated by ICSL or reported in the Human Gene Mutation Database (HGMD: prior to June 1st, 2018), and was therefore a candidate for classification through an automated scoring system. Utilizing variant allele frequency, disease prevalence and penetrance estimates, and inheritance mode, an automated score was calculated to assess if this variant is too frequent to cause the disease. Based on the score and internal cut-off values, a variant classified as likely benign is not then subjected to further curation. The score for this variant resulted in a classification of likely benign for this disease.

NM_032444.4(SLX4):c.3245A>G (p.Gln1082Arg)

Gene: SLX4 (SLX4 structure-specific endonuclease subunit; minus strand). Cytogenetic location: 16p13.3.
Variant type: single nucleotide variant.
Coding change: c.3245A>G on transcript NM_032444.4 (MANE Select); coding-DNA position 3245, A replaced by G.
Protein change: p.Gln1082Arg; replaces glutamine 1082 with arginine.
Molecular consequence: missense variant.
Genome position (GRCh38, 1-based): chr16:3,590,393, T>C on the plus strand (A>G on the coding strand, the complement: SLX4 is on the minus strand). VCF-style: chr16-3590393-T-C. GRCh37 (hg19) VCF-style: chr16-3640394-T-C.
Other names: c.3245A>G (LRG_503t1); short protein forms Q1082R.
Identifiers: ClinVar variation 456307 (VCV000456307.18), dbSNP rs368657696, ClinGen allele CA7865958.